The following is an entry in ClinVar:

NM_001283009.2(RTEL1):c.147G>A (p.Thr49=)

Genes: RTEL1 (regulator of telomere elongation helicase 1; plus strand), RTEL1-TNFRSF6B (RTEL1-TNFRSF6B readthrough (NMD candidate); plus strand). Cytogenetic location: 20q13.33.
Variant type: single nucleotide variant.
Coding change: c.147G>A on transcript NM_001283009.2 (MANE Select); coding-DNA position 147, G replaced by A.
Protein change: p.Thr49=; no amino-acid change (threonine 49 retained).
Molecular consequence: synonymous variant. On other transcripts: non-coding transcript variant (1), 5 prime UTR variant (1).
Genome position (GRCh38, 1-based): chr20:63,661,342, G>A. VCF-style: chr20-63661342-G-A. GRCh37 (hg19) VCF-style: chr20-62292695-G-A.
Other names: c.147G>A (NM_032957.4); c.-523G>A (NM_001283010.1); c.147G>A, p.Thr49= (NM_016434.4, NM_032957.5).
Identifiers: ClinVar variation 748002 (VCV000748002.14), dbSNP rs114124243, ClinGen allele CA9964122.

ClinVar aggregate classification (germline): Likely benign. Review status: criteria provided, multiple submitters, no conflicts (2 of 4 stars). 5 submissions from 5 submitters: Likely benign (4). 1 of the submissions does not count toward it. Last evaluated 2026-01-27.

Conditions:
RTEL1-related disorder. Also called: RTEL1-related disorders; RTEL1-related condition.
Dyskeratosis congenita. Identifiers: Orphanet 1775, MedGen C0265965, MONDO:0015780.
Dyskeratosis congenita, autosomal recessive 5 (DKCB5). Identifiers: MedGen C3554656, MONDO:0014076, OMIM 615190.
Pulmonary fibrosis and/or bone marrow failure, Telomere-related, 3. Also called: PULMONARY FIBROSIS AND/OR BONE MARROW FAILURE SYNDROME, TELOMERE-RELATED, 3. Identifiers: Orphanet 2032, MedGen C4225346, MONDO:0014613, OMIM 616373.
Inborn genetic diseases. Identifiers: MedGen C0950123, MeSH D030342.

Allele frequency attached by ClinVar (database versions not stated): gnomAD 0.00004 and 0.00005; gnomAD exomes 0.00005 and 0.00007; TOPMed 0.00005; ExAC 0.00007; 1000 Genomes Project 0.00020; 1000 Genomes Project 30x 0.00031.
gnomAD v4.1: 77 of 1,613,052 alleles (0.0048%); highest among the groups gnomAD compares: Admixed American, 0.013%; no homozygotes.

Submissions (5):

Labcorp Genetics (formerly Invitae), Labcorp
Classification: Likely benign for Dyskeratosis congenita, autosomal recessive 5; Pulmonary fibrosis and/or bone marrow failure, Telomere-related, 3. Last evaluated: 2026-01-27. Review status: criteria provided, single submitter. Criteria: Invitae Variant Classification Sherloc (09022015). Collection method: clinical testing. Allele origin: germline.

Ambry Genetics
Classification: Likely benign for Inborn genetic diseases. Last evaluated: 2024-11-28. Review status: criteria provided, single submitter. Criteria: Ambry Variant Classification Scheme 2023. Collection method: clinical testing. Allele origin: germline.

PreventionGenetics, part of Exact Sciences
Classification: Likely benign for RTEL1-related condition. Last evaluated: 2024-10-02. Review status: criteria provided, single submitter. Criteria: ACMG Guidelines, 2015. Collection method: clinical testing. Allele origin: germline.
Comment: This variant is classified as likely benign based on ACMG/AMP sequence variant interpretation guidelines (Richards et al. 2015 PMID: 25741868, with internal and published modifications).

Blueprint Genetics
Classification: Likely benign. Last evaluated: 2024-06-25. Review status: criteria provided, single submitter. Criteria: ACMG Guidelines, 2015. Collection method: clinical testing. Allele origin: germline.

Natera, Inc.
Classification: Likely benign for Dyskeratosis congenita. Last evaluated: 2020-12-21. Review status: no assertion criteria provided. Collection method: clinical testing. Allele origin: germline. Not counted in ClinVar's aggregate classification.